The following is an entry in ClinVar:

NM_000459.5(TEK):c.1036_1037delinsTC (p.Gln346Ser)

Gene: TEK (TEK receptor tyrosine kinase; plus strand). Cytogenetic location: 9p21.2.
Variant type: Indel.
Coding change: c.1036_1037delinsTC on transcript NM_000459.5 (MANE Select); coding-DNA positions 1036 to 1037, CA replaced by TC.
Protein change: p.Gln346Ser; replaces glutamine 346 with serine.
Molecular consequence: missense variant.
Genome position (GRCh38, 1-based): chr9:27,183,464-27,183,465, CA replaced by TC. VCF-style: chr9-27183464-CA-TC. GRCh37 (hg19) VCF-style: chr9-27183462-CA-TC.
Other names: c.907_908delinsTC, p.Gln303Ser (NM_001290077.2, NM_001375476.1); c.595_596delinsTC, p.Gln199Ser (NM_001290078.2); c.1036_1037delinsTC, p.Gln346Ser (NM_001375475.1); short protein forms Q199S, Q303S, Q346S.
Identifiers: ClinVar variation 3600449 (VCV003600449.1).

ClinVar aggregate classification (germline): Uncertain significance (1 of 4 stars; one submission).

Conditions:
Multiple cutaneous and mucosal venous malformations (VMCM). Also called: TEK-Related Multiple Cutaneous and Mucosal Venous Malformations (VMCM). Identifiers: Orphanet 2451, MedGen C1838437, MONDO:0010842, OMIM 600195.

Submission:

Clinical Genomics Laboratory, Washington University in St. Louis
Classification: Uncertain significance for Multiple cutaneous and mucosal venous malformations. Last evaluated: 2024-08-09. Review status: criteria provided, single submitter. Criteria: ACMG Guidelines, 2015. Collection method: clinical testing. Allele origin: germline.
Comment: A TEK c.1036_1037delinsTC (p.Gln346Ser) variant was identified at a near heterozygous allelic fraction of 47%, a frequency which may be consistent with it being of germline origin. This variant, to our knowledge, has not been reported in the medical literature. This variant is absent from the general population (gnomAD v.4.1.0), indicating it is not a common variant. Due to limited information, and based on ACMG/AMP guidelines for variant interpretation (Richards S et al., PMID: 25741868), the clinical significance of the TEK c.1036_1037delinsTC (p.Gln346Ser) variant is uncertain at this time.